The following is an entry in ClinVar:

ClinVar aggregate classification (germline): Conflicting classifications of pathogenicity. Review status: criteria provided, conflicting classifications (1 of 4 stars). 2 submissions from 2 submitters: Uncertain significance (1); Likely benign (1). Last evaluated 2025-12-22.

Conditions:
Hereditary cancer-predisposing syndrome. Also called: Neoplastic Syndromes, Hereditary; Hereditary neoplastic syndrome; Tumor predisposition; Hereditary Cancer Syndrome. Identifiers: Orphanet 140162, MedGen C0027672, MeSH D009386, MONDO:0015356.

Allele frequency attached by ClinVar (database versions not stated): TOPMed below 0.00001; gnomAD 0.00001.
gnomAD v4.1: 1 of 1,611,036 alleles (0.000062%); highest among the groups gnomAD compares: African/African-American, 0.0013%; no homozygotes.

Submissions (2):

Ambry Genetics
Classification: Likely benign for Hereditary cancer-predisposing syndrome. Last evaluated: 2025-12-22. Review status: criteria provided, single submitter. Criteria: Ambry Variant Classification Scheme 2023. Collection method: clinical testing. Allele origin: germline.

Labcorp Genetics (formerly Invitae), Labcorp
Classification: Uncertain significance. Last evaluated: 2025-07-02. Review status: criteria provided, single submitter. Criteria: Invitae Variant Classification Sherloc (09022015). Collection method: clinical testing. Allele origin: germline.
Comment: This sequence change replaces glutamic acid, which is acidic and polar, with aspartic acid, which is acidic and polar, at codon 646 of the CTNNA1 protein (p.Glu646Asp). This variant is not present in population databases (gnomAD no frequency). This variant has not been reported in the literature in individuals affected with CTNNA1-related conditions. ClinVar contains an entry for this variant (Variation ID: 645287). Invitae Evidence Modeling of protein sequence and biophysical properties (such as structural, functional, and spatial information, amino acid conservation, physicochemical variation, residue mobility, and thermodynamic stability) indicates that this missense variant is not expected to disrupt CTNNA1 protein function with a negative predictive value of 80%. In summary, the available evidence is currently insufficient to determine the role of this variant in disease. Therefore, it has been classified as a Variant of Uncertain Significance.

NM_001903.5(CTNNA1):c.1938A>T (p.Glu646Asp)

Gene: CTNNA1 (catenin alpha 1; plus strand). Cytogenetic location: 5q31.2.
Variant type: single nucleotide variant.
Coding change: c.1938A>T on transcript NM_001903.5 (MANE Select); coding-DNA position 1938, A replaced by T.
Protein change: p.Glu646Asp; replaces glutamic acid 646 with aspartic acid.
Molecular consequence: missense variant.
Genome position (GRCh38, 1-based): chr5:138,929,284, A>T. VCF-style: chr5-138929284-A-T. GRCh37 (hg19) VCF-style: chr5-138264973-A-T.
Other names: c.828A>T, p.Glu276Asp (NM_001323999.1, NM_001324000.1, NM_001324001.1 and 17 more transcripts); c.489A>T, p.Glu163Asp (NM_001324006.1, NM_001324007.1, NM_001324008.1 and 2 more transcripts); c.1938A>T, p.Glu646Asp (NM_001290307.3, NM_001323982.2, NM_001323983.1 and 2 more transcripts); c.1629A>T, p.Glu543Asp (NM_001290309.3); c.1569A>T, p.Glu523Asp (NM_001290310.3); c.1845A>T, p.Glu615Asp (NM_001323986.2); c.735A>T, p.Glu245Asp (NM_001324011.1); c.585A>T, p.Glu195Asp (NM_001324012.1, NM_001324013.1); and 1 more; short protein forms E163D, E245D, E276D, E523D, E195D, E543D, E615D, E646D.
Identifiers: ClinVar variation 645287 (VCV000645287.7), dbSNP rs1470787021, ClinGen allele CA361132758.